The following is an entry in ClinVar:

NM_181486.4(TBX5):c.511-1G>A

Gene: TBX5 (T-box transcription factor 5; minus strand). Cytogenetic location: 12q24.21.
Variant type: single nucleotide variant.
Coding change: c.511-1G>A on transcript NM_181486.4 (MANE Select); the canonical splice acceptor site of the intron before coding-DNA position 511, G replaced by A.
Molecular consequence: splice acceptor variant.
Genome position (GRCh38, 1-based): chr12:114,394,894, C>T on the plus strand (G>A on the coding strand, the complement: TBX5 is on the minus strand). VCF-style: chr12-114394894-C-T. GRCh37 (hg19) VCF-style: chr12-114832699-C-T.
Other names: c.361-1G>A (NM_080717.4); c.511-1G>A (NM_000192.3).
Identifiers: ClinVar variation 2632419 (VCV002632419.1), dbSNP rs2136411098, ClinGen allele CA386861630.

ClinVar aggregate classification (germline): Likely pathogenic (1 of 4 stars; one submission).

Conditions:
TBX5-related disorder. Also called: TBX5-related condition.

Submission:

PreventionGenetics, part of Exact Sciences
Classification: Likely pathogenic for TBX5-related condition. Last evaluated: 2023-06-26. Review status: criteria provided, single submitter. Criteria: ACMG Guidelines, 2015. Collection method: clinical testing. Allele origin: germline.
Comment: The TBX5 c.511-1G>A variant is predicted to disrupt the AG splice acceptor site and interfere with normal splicing. To our knowledge, this variant has not been reported in the literature or in a large population database, indicating this variant is rare. Variants that disrupt the consensus splice acceptor site in TBX5 are expected to be pathogenic. This variant is interpreted as likely pathogenic.